The following is an entry in ClinVar:

ClinVar aggregate classification (germline): Likely benign (1 of 4 stars; one submission).

gnomAD v4.1: 22 of 1,581,564 alleles (0.0014%); highest among the groups gnomAD compares: Non-Finnish European, 0.0019%; no homozygotes.

Submission:

CeGaT Center for Human Genetics Tuebingen
Classification: Likely benign. Last evaluated: 2026-06-01. Review status: criteria provided, single submitter. Criteria: CeGaT Center For Human Genetics Tuebingen Variant Classification Criteria Version 2. Collection method: clinical testing. Allele origin: germline. Affected: yes. Observed: 1 variant allele.
Comment: BRPF1: BP4, BP7

NM_001003694.2(BRPF1):c.3471A>G (p.Lys1157=)

Gene: BRPF1 (bromodomain and PHD finger containing 1; plus strand). Cytogenetic location: 3p25.3.
Variant type: single nucleotide variant.
Coding change: c.3471A>G on transcript NM_001003694.2 (MANE Select); coding-DNA position 3471, A replaced by G.
Protein change: p.Lys1157=; no amino-acid change (lysine 1157 retained).
Molecular consequence: synonymous variant. On other transcripts: non-coding transcript variant (1).
Genome position (GRCh38, 1-based): chr3:9,746,446, A>G. VCF-style: chr3-9746446-A-G. GRCh37 (hg19) VCF-style: chr3-9788130-A-G.
Other names: c.3450A>G, p.Lys1150= (NM_001438343.1, NM_001319050.2); c.3186A>G, p.Lys1062= (NM_001438344.1); c.3183A>G, p.Lys1061= (NM_001438345.1); c.3165A>G, p.Lys1055= (NM_001438346.1); c.3453A>G, p.Lys1151= (NM_004634.3); c.3555A>G, p.Lys1185= (NM_001437892.1); c.3552A>G, p.Lys1184= (NM_001438342.1); c.3168A>G, p.Lys1056= (NM_001319049.2); and 1 more.
Identifiers: ClinVar variation 4873565 (VCV004873565.2).
Genomic context (GRCh38, chr3:9,746,446, plus strand): 5'-GGAGCAGATGACCCAGGAAGCCCGAGAGCATCTCTACCTCGTCCTCTTCTTTGACAACAA[A>G]CGAACCTGGTAAGGAGGGGAGCATTTGGTGTGACTCACAGCCACAGATGCAGCCCTGTGT-3'
Protein context (NP_001003694.1, residues 1147-1167): HLYLVLFFDN[Lys1157=]RTWQWLPRTK